The following is an entry in ClinVar:

NM_152263.4(TPM3):c.217G>T (p.Glu73Ter)

Gene: TPM3 (tropomyosin 3; minus strand). Cytogenetic location: 1q21.3.
Variant type: single nucleotide variant.
Coding change: c.217G>T on transcript NM_152263.4 (MANE Select); coding-DNA position 217, G replaced by T.
Protein change: p.Glu73Ter; replaces glutamic acid 73 with a stop codon.
Molecular consequence: nonsense. On other transcripts: non-coding transcript variant (1).
Genome position (GRCh38, 1-based): chr1:154,191,212, C>A on the plus strand (G>T on the coding strand, the complement: TPM3 is on the minus strand). VCF-style: chr1-154191212-C-A. GRCh37 (hg19) VCF-style: chr1-154163688-C-A.
Other names: c.217G>T, p.Glu73Ter (NM_001364679.2, NM_001364680.2, NM_001364681.2 and 1 more transcripts); short protein forms E73*.
Identifiers: ClinVar variation 4856108 (VCV004856108.1).
Genomic context (GRCh38, chr1:154,191,212, plus strand): 5'-GATTAAACCCATCCTCCATCTCTCTAATACTCACATCAGCAGCCTTCTTCTCTGCCAGTT[C>A]CAGCTTCTCCTGGGCATCCTTCAAAGCTTCAGAATACTTGTCCAGCTCATCCTCTGTCCC-3'

ClinVar aggregate classification (germline): Likely pathogenic (1 of 4 stars; one submission).

Conditions:
Congenital myopathy 4B, autosomal recessive. Also called: Nemaline myopathy 1, autosomal dominant or recessive. Identifiers: Orphanet 171433, Orphanet 171439, Orphanet 171881, MedGen C5829889, MONDO:0012239, OMIM 609284.

Submission:

3billion
Classification: Likely pathogenic for Congenital myopathy 4B, autosomal recessive. Last evaluated: 2025-05-13. Review status: criteria provided, single submitter. Criteria: ACMG Guidelines, 2015. Collection method: clinical testing. Allele origin: germline. Affected: yes.
Comment: The variant is not observed in the gnomAD v4.1.0 dataset. Predicted Consequence/Location: Stop-gained (nonsense): predicted to result in a loss or disruption of normal protein function through nonsense-mediated decay (NMD) or protein truncation. Multiple pathogenic variants are reported downstream of the variant. Therefore, this variant is classified as Likely pathogenic according to the recommendation of ACMG/AMP guideline.